The following is an entry in ClinVar:

NM_002047.4(GARS1):c.20T>G (p.Val7Gly)

Gene: GARS1 (glycyl-tRNA synthetase 1; plus strand). Cytogenetic location: 7p14.3.
Variant type: single nucleotide variant.
Coding change: c.20T>G on transcript NM_002047.4 (MANE Select); coding-DNA position 20, T replaced by G.
Protein change: p.Val7Gly; replaces valine 7 with glycine.
Molecular consequence: missense variant. On other transcripts: 5 prime UTR variant (1).
Genome position (GRCh38, 1-based): chr7:30,594,941, T>G. VCF-style: chr7-30594941-T-G. GRCh37 (hg19) VCF-style: chr7-30634557-T-G.
Other names: c.-143T>G (NM_001316772.1); c.20T>G (NM_002047.3); short protein forms V7G.
Identifiers: ClinVar variation 1799772 (VCV001799772.3), dbSNP rs1411328478, ClinGen allele CA367138404.

ClinVar aggregate classification (germline): Uncertain significance. Review status: criteria provided, multiple submitters, no conflicts (2 of 4 stars). 2 submissions from 2 submitters: Uncertain significance (2). Last evaluated 2026-06-26.

Conditions:
GARS1-related disorder. Also called: GARS1-related condition.

Allele frequency attached by ClinVar (database versions not stated): gnomAD exomes below 0.00001.
gnomAD v4.1: 3 of 1,594,852 alleles (0.00019%); highest among the groups gnomAD compares: Admixed American, 0.0034%; no homozygotes.

Submissions (2):

PreventionGenetics, part of Exact Sciences
Classification: Uncertain significance for GARS1-related condition. Last evaluated: 2026-06-26. Review status: criteria provided, single submitter. Criteria: ACMG Guidelines, 2015. Collection method: clinical testing. Allele origin: germline.
Comment: The GARS1 c.20T>G variant is predicted to result in the amino acid substitution p.Val7Gly. To our knowledge, this variant has not been reported in the literature. This variant has been reported in 1 heterozygous individual within the ‘other’ subpopulation in gnomAD. At this time, the clinical significance of this variant is uncertain due to the absence of conclusive functional and genetic evidence.

Ambry Genetics
Classification: Uncertain significance. Last evaluated: 2022-01-15. Review status: criteria provided, single submitter. Criteria: Ambry Variant Classification Scheme 2023. Collection method: clinical testing. Allele origin: germline.
Comment: The p.V7G variant (also known as c.20T>G), located in coding exon 1 of the GARS gene, results from a T to G substitution at nucleotide position 20. The valine at codon 7 is replaced by glycine, an amino acid with dissimilar properties. This amino acid position is conserved. In addition, this alteration is predicted to be tolerated by in silico analysis. Since supporting evidence is limited at this time, the clinical significance of this alteration remains unclear.